The following is an entry in ClinVar:

NM_000489.6(ATRX):c.3663C>T (p.Ser1221=)

Gene: ATRX (ATRX chromatin remodeler; minus strand). Cytogenetic location: Xq21.1.
Variant type: single nucleotide variant.
Coding change: c.3663C>T on transcript NM_000489.6 (MANE Select); coding-DNA position 3663, C replaced by T.
Protein change: p.Ser1221=; no amino-acid change (serine 1221 retained).
Molecular consequence: synonymous variant.
Genome position (GRCh38, 1-based): chrX:77,681,593, G>A on the plus strand (C>T on the coding strand, the complement: ATRX is on the minus strand). VCF-style: chrX-77681593-G-A. GRCh37 (hg19) VCF-style: chrX-76937085-G-A.
Other names: c.3549C>T, p.Ser1183= (NM_138270.5).
Identifiers: ClinVar variation 792577 (VCV000792577.36), dbSNP rs1214349616, ClinGen allele CA517376786.

ClinVar aggregate classification (germline): Likely benign. Review status: criteria provided, multiple submitters, no conflicts (2 of 4 stars). 3 submissions from 3 submitters: Likely benign (3). Last evaluated 2024-03-26.

Conditions:
Alpha thalassemia-X-linked intellectual disability syndrome (ATRX). Also called: ATR-X syndrome; Alpha thalassemia mental retardation syndrome, nondeletion type, X-linked; XLMR hypotonic face syndrome; ALPHA-THALASSEMIA/MENTAL RETARDATION SYNDROME, X-LINKED; ATR, NONDELETION TYPE; X-linked alpha-thalassemia-mental retardation syndrome. Identifiers: Orphanet 847, MedGen C1845055, MONDO:0010519, OMIM 301040.

Allele frequency attached by ClinVar (database versions not stated): gnomAD exomes below 0.00001 and 0.00001; TOPMed 0.00002.
gnomAD v4.1: 4 of 1,207,999 alleles (0.00033%); highest among the groups gnomAD compares: South Asian, 0.0071%; no homozygotes.

Submissions (3):

Labcorp Genetics (formerly Invitae), Labcorp
Classification: Likely benign for Alpha thalassemia-X-linked intellectual disability syndrome. Last evaluated: 2024-03-26. Review status: criteria provided, single submitter. Criteria: Invitae Variant Classification Sherloc (09022015). Collection method: clinical testing. Allele origin: germline.

Blueprint Genetics
Classification: Likely benign. Last evaluated: 2023-12-12. Review status: criteria provided, single submitter. Criteria: ACMG Guidelines, 2015. Collection method: clinical testing. Allele origin: germline.

CeGaT Center for Human Genetics Tuebingen
Classification: Likely benign. Last evaluated: 2022-11-01. Review status: criteria provided, single submitter. Criteria: CeGaT Center For Human Genetics Tuebingen Variant Classification Criteria Version 2. Collection method: clinical testing. Allele origin: germline. Affected: yes. Observed: 1 variant allele.
Comment: ATRX: BP4, BP7